The following is an entry in ClinVar:

ClinVar aggregate classification (germline): Uncertain significance (1 of 4 stars; one submission).

Submission:

Ambry Genetics
Classification: Uncertain significance. Last evaluated: 2023-09-21. Review status: criteria provided, single submitter. Criteria: Ambry Variant Classification Scheme 2023. Collection method: clinical testing. Allele origin: germline.
Comment: The p.A3905V variant (also known as c.11714C>T), located in coding exon 83 of the PRKDC gene, results from a C to T substitution at nucleotide position 11714. The alanine at codon 3905 is replaced by valine, an amino acid with similar properties. This amino acid position is conserved. Since supporting evidence is limited at this time, the clinical significance of this alteration remains unclear.

NM_006904.7(PRKDC):c.11714C>T (p.Ala3905Val)

Gene: PRKDC (protein kinase, DNA-activated, catalytic subunit; minus strand). Cytogenetic location: 8q11.21.
Variant type: single nucleotide variant.
Coding change: c.11714C>T on transcript NM_006904.7 (MANE Select); coding-DNA position 11714, C replaced by T.
Protein change: p.Ala3905Val; replaces alanine 3905 with valine.
Molecular consequence: missense variant.
Genome position (GRCh38, 1-based): chr8:47,778,598, G>A on the plus strand (C>T on the coding strand, the complement: PRKDC is on the minus strand). VCF-style: chr8-47778598-G-A. GRCh37 (hg19) VCF-style: chr8-48691159-G-A.
Other names: c.11621C>T, p.Ala3874Val (NM_001081640.2); short protein forms A3874V, A3905V.
Identifiers: ClinVar variation 3225723 (VCV003225723.1), dbSNP rs2551859906, ClinGen allele CA371128732.